The following is an entry in ClinVar:

NM_001386298.1(CIC):c.4222A>C (p.Ile1408Leu)

Gene: CIC (capicua transcriptional repressor; plus strand). Cytogenetic location: 19q13.2.
Variant type: single nucleotide variant.
Coding change: c.4222A>C on transcript NM_001386298.1 (MANE Select); coding-DNA position 4222, A replaced by C.
Protein change: p.Ile1408Leu; replaces isoleucine 1408 with leucine.
Molecular consequence: missense variant.
Genome position (GRCh38, 1-based): chr19:42,290,263, A>C. VCF-style: chr19-42290263-A-C. GRCh37 (hg19) VCF-style: chr19-42794415-A-C.
Other names: c.4222A>C, p.Ile1408Leu (NM_001439187.1, NM_001439188.1, NM_001304815.2 and 6 more transcripts); c.1495A>C, p.Ile499Leu (NM_001439189.1, NM_001439190.1, NM_001439191.1 and 3 more transcripts); short protein forms I1408L, I499L.
Identifiers: ClinVar variation 4848438 (VCV004848438.1).

ClinVar aggregate classification (germline): Uncertain significance (1 of 4 stars; one submission).

Submission:

Women's Health and Genetics/Laboratory Corporation of America, LabCorp
Classification: Uncertain significance. Last evaluated: 2026-04-17. Review status: criteria provided, single submitter. Criteria: LabCorp Variant Classification Summary - May 2015. Collection method: clinical testing. Allele origin: germline.
Comment: Variant summary: CIC c.1495A>C (p.Ile499Leu) results in a conservative amino acid change in the encoded protein sequence. Algorithms developed to predict the effect of missense changes on protein structure and function all suggest that this variant is likely to be tolerated. The variant was absent in 250876 control chromosomes. The available data on variant occurrences in the general population are insufficient to allow any conclusion about variant significance. To our knowledge, no occurrence of c.1495A>C in individuals affected with CIC-related conditions and no experimental evidence demonstrating its impact on protein function have been reported. No submitters have cited clinical-significance assessments for this variant to ClinVar. Based on the evidence outlined above, the variant was classified as uncertain significance.